The following is an entry in ClinVar:

ClinVar aggregate classification (germline): Pathogenic (1 of 4 stars; one submission).

Conditions:
Neurofibromatosis, type 1 (NF1). Also called: Peripheral type neurofibromatosis; VON RECKLINGHAUSEN DISEASE; Neurofibromatosis, type I; NEUROFIBROMATOSIS, TYPE I, SOMATIC. Identifiers: Orphanet 636, MedGen C0027831, MONDO:0018975, OMIM 162200. Disease mechanism: loss of function.

Submission:

Labcorp Genetics (formerly Invitae), Labcorp
Classification: Pathogenic for Neurofibromatosis, type 1. Last evaluated: 2024-07-30. Review status: criteria provided, single submitter. Criteria: Invitae Variant Classification Sherloc (09022015). Collection method: clinical testing. Allele origin: germline.
Comment: This sequence change creates a premature translational stop signal (p.Pro1412Leufs*7) in the NF1 gene. It is expected to result in an absent or disrupted protein product. Loss-of-function variants in NF1 are known to be pathogenic (PMID: 10712197, 23913538). This variant is not present in population databases (gnomAD no frequency). This variant has not been reported in the literature in individuals affected with NF1-related conditions. ClinVar contains an entry for this variant (Variation ID: 843416). Algorithms developed to predict the effect of sequence changes on RNA splicing suggest that this variant may disrupt the consensus splice site. For these reasons, this variant has been classified as Pathogenic.

Literature cited by the submitters: PubMed 10712197; PubMed 23913538.

NM_001042492.3(NF1):c.4298del (p.Pro1433fs)

Gene: NF1 (neurofibromin 1; plus strand). Cytogenetic location: 17q11.2.
Variant type: Deletion.
Coding change: c.4298del on transcript NM_001042492.3 (MANE Select); coding-DNA position 4298, one base deleted (C; older notation c.4298delC).
Protein change: p.Pro1433fs; shifts the reading frame from proline 1433.
Molecular consequence: frameshift variant.
Genome position (GRCh38, 1-based): chr17:31,258,468, C deleted; the last of 2 consecutive C bases (chr17:31,258,467-31,258,468); deleting either gives the same sequence. VCF-style (leftmost placement, unchanged base first): chr17-31258466-AC-A. GRCh37 (hg19) VCF-style: chr17-29585484-AC-A.
Other names: c.4235delC, p.Pro1412Leufs (NM_000267.4); short protein forms P1433fs, P1412fs.
Identifiers: ClinVar variation 843416 (VCV000843416.7), dbSNP rs2067623782, ClinGen allele CA916080600.